The following is an entry in ClinVar:

NM_001360.3(DHCR7):c.963+1G>A

Gene: DHCR7 (7-dehydrocholesterol reductase; minus strand). Cytogenetic location: 11q13.4.
Variant type: single nucleotide variant.
Coding change: c.963+1G>A on transcript NM_001360.3 (MANE Select); the canonical splice donor site of the intron after coding-DNA position 963, G replaced by A.
Molecular consequence: splice donor variant.
Genome position (GRCh38, 1-based): chr11:71,437,811, C>T on the plus strand (G>A on the coding strand, the complement: DHCR7 is on the minus strand). VCF-style: chr11-71437811-C-T. GRCh37 (hg19) VCF-style: chr11-71148857-C-T.
Other names: NC_000011.9:g.71148857C>T; c.963+1G>A (NM_001360.2, NM_001163817.2).
Identifiers: ClinVar variation 3336096 (VCV003336096.6).
Genomic context (GRCh38, chr11:71,437,811, plus strand): 5'-GAGAAAGCTTAGCATGTGTCTGCCAAATGCCCCGCTGGGCCAGCTCTGCCCACCTCCTCA[C>T]CTGCAGCGTGTAAAGATAAGGCAGCCAGACACAGTCGCCCCAGCCCAGGTACCACCCGAA-3'

ClinVar aggregate classification (germline): Likely pathogenic. Review status: criteria provided, multiple submitters, no conflicts (2 of 4 stars). 4 submissions from 4 submitters: Likely pathogenic (4). Last evaluated 2024-06-28.

Conditions:
Smith-Lemli-Opitz syndrome (SLOS). Also called: LETHAL ACRODYSGENITAL SYNDROME; POLYDACTYLY, SEX REVERSAL, RENAL HYPOPLASIA, AND UNILOBAR LUNG; RSH SYNDROME; RUTLEDGE LETHAL MULTIPLE CONGENITAL ANOMALY SYNDROME; 7-Dehydrocholesterol reductase deficiency. Identifiers: Orphanet 818, MedGen C0175694, MONDO:0010035, OMIM 270400.

gnomAD v4.1: 10 of 1,613,846 alleles (0.00062%); highest among the groups gnomAD compares: Non-Finnish European, 0.00085%; no homozygotes.

Submissions (7):

Natera, Inc.
Classification: Likely pathogenic for Smith-Lemli-Opitz syndrome. Last evaluated: 2024-06-28. Review status: criteria provided, single submitter. Criteria: Natera Variant Classification Schema (03/2026). Collection method: clinical testing. Allele origin: germline.
Comment: The c.963+1G>A variant in DHCR7 is a canonical splice donor site variant predicted to affect pre-mRNA splicing, which may result in an abnormal transcript and altered protein product. This variant is expected to result in nonsense mediated decay, truncation, or a dysfunctional protein product. This variant is rare in the general population with a frequency below the threshold expected for the associated phenotype(s). Given the available evidence, this variant is classified as Likely Pathogenic.

Fulgent Genetics
Classification: Likely pathogenic for Smith-Lemli-Opitz syndrome. Last evaluated: 2024-05-14. Review status: criteria provided, single submitter. Criteria: ACMG Guidelines, 2015. Collection method: clinical testing. Allele origin: germline.

Women's Health and Genetics/Laboratory Corporation of America, LabCorp
Classification: Likely pathogenic for Smith-Lemli-Opitz syndrome. Last evaluated: 2024-05-08. Review status: criteria provided, single submitter. Criteria: LabCorp Variant Classification Summary - May 2015. Collection method: clinical testing. Allele origin: germline.
Comment: Variant summary: DHCR7 c.963+1G>A is located in a canonical splice-acceptor site of the last intron and is predicted to affect mRNA splicing resulting in a significantly altered protein due to either exon skipping, shortening, or inclusion of intronic material. Several computational tools predict a significant impact on normal splicing: Four predict the variant abolishes a 5' splicing donor site. However, these predictions have yet to be confirmed by functional studies. The variant was absent in 251072 control chromosomes (gnomAD). To our knowledge, no occurrence of c.963+1G>A in individuals affected with Smith-Lemli-Opitz Syndrome and no experimental evidence demonstrating its impact on protein function have been reported. Several downstream pathogenic variants in the last exon (e.g. p.Val326Leu, p.Arg352Trp, p.Arg404Cys) have been reported by our laboratory. No submitters have cited clinical-significance assessments for this variant to ClinVar. Based on the evidence outlined above, the variant was classified as likely pathogenic.

Juno Genomics, Hangzhou Juno Genomics, Inc
Classification: Likely pathogenic for Smith-Lemli-Opitz syndrome. Review status: criteria provided, single submitter. Criteria: ACMG Guidelines, 2015. Collection method: clinical testing. Allele origin: germline.
Comment: Absent from controls (or at extremely low frequency if recessive) in Genome Aggregation Database.;Null variant in a gene where loss of function (LOF) is a known mechanism of disease.

Dr. Peter K. Rogan Lab, Western University
No classification provided (evidence only). Condition: Ovarian serous cystadenocarcinoma. Review status: no classification provided. Collection method: in vitro. Allele origin: not applicable. Functional consequence: retained intron. Not counted in ClinVar's aggregate classification.

Dr. Peter K. Rogan Lab, Western University
No classification provided (evidence only). Condition: Ovarian serous cystadenocarcinoma. Review status: no classification provided. Collection method: in vitro. Allele origin: not applicable. Functional consequence: retained intron. Not counted in ClinVar's aggregate classification.

Dr. Peter K. Rogan Lab, Western University
No classification provided (evidence only). Condition: Ovarian serous cystadenocarcinoma. Review status: no classification provided. Collection method: in vitro. Allele origin: not applicable. Functional consequence: retained intron. Not counted in ClinVar's aggregate classification.